The following is an entry in ClinVar:

ClinVar aggregate classification (germline): Uncertain significance (1 of 4 stars; one submission).

Allele frequency attached by ClinVar (database versions not stated): gnomAD exomes below 0.00001 and 0.00001; TOPMed 0.00005; gnomAD 0.00006 and 0.00007.
gnomAD v4.1: 12 of 1,610,094 alleles (0.00075%); highest among the groups gnomAD compares: African/African-American, 0.015%; no homozygotes.

Submission:

Labcorp Genetics (formerly Invitae), Labcorp
Classification: Uncertain significance. Last evaluated: 2025-05-22. Review status: criteria provided, single submitter. Criteria: Invitae Variant Classification Sherloc (09022015). Collection method: clinical testing. Allele origin: germline.
Comment: This sequence change replaces histidine, which is basic and polar, with glutamine, which is neutral and polar, at codon 457 of the TNNI3K protein (p.His457Gln). This variant is present in population databases (no rsID available, gnomAD 0.01%). This variant has not been reported in the literature in individuals affected with TNNI3K-related conditions. ClinVar contains an entry for this variant (Variation ID: 1500366). Invitae Evidence Modeling of protein sequence and biophysical properties (such as structural, functional, and spatial information, amino acid conservation, physicochemical variation, residue mobility, and thermodynamic stability) indicates that this missense variant is not expected to disrupt TNNI3K protein function with a negative predictive value of 80%. In summary, the available evidence is currently insufficient to determine the role of this variant in disease. Therefore, it has been classified as a Variant of Uncertain Significance.

NM_015978.3(TNNI3K):c.1371T>A (p.His457Gln)

Genes: FPGT-TNNI3K (FPGT-TNNI3K readthrough; plus strand), TNNI3K (TNNI3 interacting kinase; plus strand). Cytogenetic location: 1p31.1.
Variant type: single nucleotide variant.
Coding change: c.1371T>A on transcript NM_015978.3 (MANE Select); coding-DNA position 1371, T replaced by A.
Protein change: p.His457Gln; replaces histidine 457 with glutamine.
Molecular consequence: missense variant.
Genome position (GRCh38, 1-based): chr1:74,369,071, T>A. VCF-style: chr1-74369071-T-A. GRCh37 (hg19) VCF-style: chr1-74834755-T-A.
Other names: c.1674T>A, p.His558Gln (NM_001112808.3, NM_001199327.2); short protein forms H457Q, H558Q.
Identifiers: ClinVar variation 1500366 (VCV001500366.6), dbSNP rs970730684, ClinGen allele CA24544446.